The following is an entry in ClinVar:

NM_002890.3(RASA1):c.2942del (p.Pro981fs)

Genes: CCNH (cyclin H; minus strand), RASA1 (RAS p21 protein activator 1; plus strand). Cytogenetic location: 5q14.3.
Variant type: Deletion.
Coding change: c.2942del on transcript NM_002890.3 (MANE Select); coding-DNA position 2942, one base deleted (C; older notation c.2942delC).
Protein change: p.Pro981fs; shifts the reading frame from proline 981.
Molecular consequence: frameshift variant. On other transcripts: intron variant (1).
Genome position (GRCh38, 1-based): chr5:87,389,409, C deleted; the last of 2 consecutive C bases (chr5:87,389,408-87,389,409); deleting either gives the same sequence. VCF-style (leftmost placement, unchanged base first): chr5-87389407-TC-T. GRCh37 (hg19) VCF-style: chr5-86685224-TC-T.
Other names: c.2411del, p.Pro804fs (NM_022650.3); c.933+5636del (NM_001364075.2); short protein forms P981fs, P804fs.
Identifiers: ClinVar variation 2134948 (VCV002134948.4), dbSNP rs2531395894, ClinGen allele CA2580073704.

ClinVar aggregate classification (germline): Pathogenic (1 of 4 stars; one submission).

Conditions:
Capillary malformation-arteriovenous malformation syndrome. Also called: Capillary malformation-arteriovenous malformation. Identifiers: Orphanet 137667, MedGen C1842180, MONDO:0012016.

Submission:

Labcorp Genetics (formerly Invitae), Labcorp
Classification: Pathogenic for Capillary malformation-arteriovenous malformation syndrome. Last evaluated: 2022-05-07. Review status: criteria provided, single submitter. Criteria: Invitae Variant Classification Sherloc (09022015). Collection method: clinical testing. Allele origin: germline.
Comment: This sequence change creates a premature translational stop signal (p.Pro981Argfs*15) in the RASA1 gene. It is expected to result in an absent or disrupted protein product. Loss-of-function variants in RASA1 are known to be pathogenic (PMID: 24038909). This variant is not present in population databases (gnomAD no frequency). This variant has not been reported in the literature in individuals affected with RASA1-related conditions. For these reasons, this variant has been classified as Pathogenic.

Literature cited by the submitters: PubMed 24038909.